The following is an entry in ClinVar:

NM_024757.5(EHMT1):c.3757C>T (p.Leu1253Phe)

Gene: EHMT1 (euchromatic histone lysine methyltransferase 1; plus strand). Cytogenetic location: 9q34.3.
Variant type: single nucleotide variant.
Coding change: c.3757C>T on transcript NM_024757.5 (MANE Select); coding-DNA position 3757, C replaced by T.
Protein change: p.Leu1253Phe; replaces leucine 1253 with phenylalanine.
Molecular consequence: missense variant.
Genome position (GRCh38, 1-based): chr9:137,834,813, C>T. VCF-style: chr9-137834813-C-T. GRCh37 (hg19) VCF-style: chr9-140729265-C-T.
Other names: c.3736C>T, p.Leu1246Phe (NM_001354263.2); short protein forms L1246F, L1253F.
Identifiers: ClinVar variation 2630386 (VCV002630386.1), dbSNP rs1278746484, ClinGen allele CA375782994.

ClinVar aggregate classification (germline): Uncertain significance (1 of 4 stars; one submission).

Conditions:
EHMT1-related disorder. Also called: EHMT1-related condition.

Allele frequency attached by ClinVar (database versions not stated): gnomAD exomes below 0.00001.
gnomAD v4.1: 6 of 1,612,766 alleles (0.00037%); highest among the groups gnomAD compares: Non-Finnish European, 0.00051%; no homozygotes.

Submission:

PreventionGenetics, part of Exact Sciences
Classification: Uncertain significance for EHMT1-related condition. Last evaluated: 2023-03-28. Review status: criteria provided, single submitter. Criteria: ACMG Guidelines, 2015. Collection method: clinical testing. Allele origin: germline.
Comment: The EHMT1 c.3757C>T variant is predicted to result in the amino acid substitution p.Leu1253Phe. To our knowledge, this variant has not been reported in the literature or in a large population database, indicating this variant is rare. At this time, the clinical significance of this variant is uncertain due to the absence of conclusive functional and genetic evidence.